The following is an entry in ClinVar:

ClinVar aggregate classification (germline): Benign. Review status: criteria provided, multiple submitters, no conflicts (2 of 4 stars). 4 submissions from 3 submitters: Benign (4). Last evaluated 2021-05-13.

Conditions:
Optic atrophy 3 (OPA3). Also called: OPTIC ATROPHY 3, AUTOSOMAL DOMINANT; Optic atrophy, cataract, and neurologic disorder; Optic atrophy 3 with cataract. Identifiers: Orphanet 67036, MedGen C1833809, MONDO:0008133, OMIM 165300.
3-Methylglutaconic aciduria type 3 (MGCA3). Also called: OPA3, AUTOSOMAL RECESSIVE; OPTIC ATROPHY 3, AUTOSOMAL RECESSIVE; Costeff Syndrome; OPA3-Related 3-Methylglutaconic Aciduria. Identifiers: Orphanet 67047, MedGen C0574084, MONDO:0009787, OMIM 258501.

Allele frequency attached by ClinVar (database versions not stated): gnomAD exomes 0.03581; gnomAD 0.06094 and 0.06293; TOPMed 0.06810; 1000 Genomes Project 0.09345; 1000 Genomes Project 30x 0.09432.
gnomAD v4.1: 39,040 of 967,504 alleles (4%); highest among the groups gnomAD compares: East Asian, 12%; 1,042 homozygotes.

Submissions (4):

GeneDx
Classification: Benign. Last evaluated: 2021-05-13. Review status: criteria provided, single submitter. Criteria: GeneDx Variant Classification Process June 2021. Collection method: clinical testing. Allele origin: germline. Affected: yes.

Illumina Laboratory Services, Illumina
Classification: Benign for 3-Methylglutaconic aciduria type 3. Last evaluated: 2018-01-13. Review status: criteria provided, single submitter. Criteria: ICSL Variant Classification Criteria 13 December 2019. Collection method: clinical testing. Allele origin: germline.
Comment: This variant was observed in the ICSL laboratory as part of a predisposition screen in an ostensibly healthy population. It had not been previously curated by ICSL or reported in the Human Gene Mutation Database (HGMD: prior to June 1st, 2018), and was therefore a candidate for classification through an automated scoring system. Utilizing variant allele frequency, disease prevalence and penetrance estimates, and inheritance mode, an automated score was calculated to assess if this variant is too frequent to cause the disease. Based on the score and internal cut-off values, a variant classified as benign is not then subjected to further curation. The score for this variant resulted in a classification of benign for this disease.

Illumina Laboratory Services, Illumina
Classification: Benign for Optic atrophy 3. Last evaluated: 2018-01-13. Review status: criteria provided, single submitter. Criteria: ICSL Variant Classification Criteria 13 December 2019. Collection method: clinical testing. Allele origin: germline.
Comment: the same text as in the submission from Illumina Laboratory Services, Illumina above.

Breakthrough Genomics
Classification: Benign. Review status: criteria provided, single submitter. Criteria: ACMG Guidelines, 2015. Collection method: not provided. Allele origin: germline. Inheritance: Autosomal recessive inheritance. Affected: yes.

NM_025136.4(OPA3):c.*577T>C

Genes: OPA3 (outer mitochondrial membrane lipid metabolism regulator OPA3; minus strand), OPA3-RTN2 (OPA3-RTN2 readthrough; minus strand). Cytogenetic location: 19q13.32.
Variant type: single nucleotide variant.
Coding change: c.*577T>C on transcript NM_025136.4 (MANE Select); 577 bases downstream of the stop codon, T replaced by C.
Molecular consequence: 3 prime UTR variant. On other transcripts: intron variant (1).
Genome position (GRCh38, 1-based): chr19:45,552,937, A>G on the plus strand (T>C on the coding strand, the complement: OPA3 is on the minus strand). VCF-style: chr19-45552937-A-G. GRCh37 (hg19) VCF-style: chr19-46056195-A-G.
Other names: c.143-23481T>C (NM_001017989.3).
Identifiers: ClinVar variation 329672 (VCV000329672.8), dbSNP rs112654759, ClinGen allele CA10652603.